The following is an entry in ClinVar:

NM_182493.3(MYLK3):c.1780G>A (p.Gly594Arg)

Gene: MYLK3 (myosin light chain kinase 3; minus strand). Cytogenetic location: 16q11.2.
Variant type: single nucleotide variant.
Coding change: c.1780G>A on transcript NM_182493.3 (MANE Select); coding-DNA position 1780, G replaced by A.
Protein change: p.Gly594Arg; replaces glycine 594 with arginine.
Molecular consequence: missense variant.
Genome position (GRCh38, 1-based): chr16:46,727,370, C>T on the plus strand (G>A on the coding strand, the complement: MYLK3 is on the minus strand). VCF-style: chr16-46727370-C-T. GRCh37 (hg19) VCF-style: chr16-46761282-C-T.
Other names: c.757G>A, p.Gly253Arg (NM_001308301.1); c.1780G>A (NM_182493.2); short protein forms G253R, G594R.
Identifiers: ClinVar variation 1520274 (VCV001520274.9), dbSNP rs1465298646, ClinGen allele CA395790016.

ClinVar aggregate classification (germline): Uncertain significance. Review status: criteria provided, multiple submitters, no conflicts (2 of 4 stars). 2 submissions from 2 submitters: Uncertain significance (2). Last evaluated 2025-10-27.

Allele frequency attached by ClinVar (database versions not stated): TOPMed below 0.00001.
gnomAD v4.1: 2 of 1,608,340 alleles (0.00012%); highest among the groups gnomAD compares: Non-Finnish European, 0.00017%; no homozygotes.

Submissions (2):

Labcorp Genetics (formerly Invitae), Labcorp
Classification: Uncertain significance. Last evaluated: 2025-10-27. Review status: criteria provided, single submitter. Criteria: Invitae Variant Classification Sherloc (09022015). Collection method: clinical testing. Allele origin: germline.
Comment: This sequence change replaces glycine, which is neutral and non-polar, with arginine, which is basic and polar, at codon 594 of the MYLK3 protein (p.Gly594Arg). This variant is not present in population databases (gnomAD no frequency). This variant has not been reported in the literature in individuals affected with MYLK3-related conditions. ClinVar contains an entry for this variant (Variation ID: 1520274). An algorithm developed to predict the effect of missense changes on protein structure and function (PolyPhen-2) suggests that this variant is likely to be disruptive. In summary, the available evidence is currently insufficient to determine the role of this variant in disease. Therefore, it has been classified as a Variant of Uncertain Significance.

Ambry Genetics
Classification: Uncertain significance. Last evaluated: 2025-07-02. Review status: criteria provided, single submitter. Criteria: Ambry Variant Classification Scheme 2023. Collection method: clinical testing. Allele origin: germline.